The following is an entry in ClinVar:

ClinVar aggregate classification (germline): Uncertain significance (1 of 4 stars; one submission).

Conditions:
Inborn genetic diseases. Identifiers: MedGen C0950123, MeSH D030342.

Submission:

Ambry Genetics
Classification: Uncertain significance for Inborn genetic diseases. Last evaluated: 2025-08-19. Review status: criteria provided, single submitter. Criteria: Ambry Variant Classification Scheme 2023. Collection method: clinical testing. Allele origin: germline.
Comment: The p.A40T variant (also known as c.118G>A), located in coding exon 2 of the MBD4 gene, results from a G to A substitution at nucleotide position 118. The alanine at codon 40 is replaced by threonine, an amino acid with similar properties. This amino acid position is conserved. In addition, this alteration is predicted to be tolerated by in silico analysis. Based on the available evidence, the clinical significance of this variant remains unclear.

NM_001276270.2(MBD4):c.118G>A (p.Ala40Thr)

Gene: MBD4 (methyl-CpG binding domain 4, DNA glycosylase; minus strand). Cytogenetic location: 3q21.3.
Variant type: single nucleotide variant.
Coding change: c.118G>A on transcript NM_001276270.2 (MANE Select); coding-DNA position 118, G replaced by A.
Protein change: p.Ala40Thr; replaces alanine 40 with threonine.
Molecular consequence: missense variant.
Genome position (GRCh38, 1-based): chr3:129,437,937, C>T on the plus strand (G>A on the coding strand, the complement: MBD4 is on the minus strand). VCF-style: chr3-129437937-C-T. GRCh37 (hg19) VCF-style: chr3-129156780-C-T.
Other names: c.118G>A, p.Ala40Thr (NM_001276271.2, NM_001276272.2, NM_001276273.2 and 1 more transcripts); short protein forms A40T.
Identifiers: ClinVar variation 4104649 (VCV004104649.1).